The following is an entry in ClinVar:

ClinVar aggregate classification (germline): Pathogenic (1 of 4 stars; one submission).

Conditions:
Hereditary cancer-predisposing syndrome. Also called: Hereditary Cancer Syndrome; Neoplastic Syndromes, Hereditary; Hereditary neoplastic syndrome; Tumor predisposition. Identifiers: Orphanet 140162, MedGen C0027672, MeSH D009386, MONDO:0015356.

Submission:

Ambry Genetics
Classification: Pathogenic for Hereditary cancer-predisposing syndrome. Last evaluated: 2013-01-30. Review status: criteria provided, single submitter. Criteria: Ambry Autosomal Dominant and X-Linked criteria (10/2015). Collection method: clinical testing. Allele origin: germline. Observed: 1 variant allele.
Comment: Alterations that disrupt the canonical splice site are expected to cause aberrant splicing, resulting in an abnormal protein or a transcript that is subject to nonsense-mediated mRNA decay. As such, this alteration is classified as a disease-causing mutation.

NM_000321.3(RB1):c.137+1G>T

Gene: RB1 (RB transcriptional corepressor 1; plus strand). Cytogenetic location: 13q14.2.
Variant type: single nucleotide variant.
Coding change: c.137+1G>T on transcript NM_000321.3 (MANE Select); the canonical splice donor site of the intron after coding-DNA position 137, G replaced by T.
Molecular consequence: splice donor variant.
Genome position (GRCh38, 1-based): chr13:48,304,050, G>T. VCF-style: chr13-48304050-G-T. GRCh37 (hg19) VCF-style: chr13-48878186-G-T.
Other names: c.137+1G>T (NM_001407165.1, NM_001407166.1, NM_001407167.1).
Identifiers: ClinVar variation 428673 (VCV000428673.3), dbSNP rs1131690855, ClinGen allele CA388250409.